The following is an entry in ClinVar:

ClinVar aggregate classification (germline): Uncertain significance (1 of 4 stars; one submission).

Submission:

GeneDx
Classification: Uncertain significance. Last evaluated: 2024-01-02. Review status: criteria provided, single submitter. Criteria: GeneDx Variant Classification Process June 2021. Collection method: clinical testing. Allele origin: germline. Affected: yes.
Comment: Not observed at significant frequency in large population cohorts (gnomAD); In silico analysis supports that this missense variant does not alter protein structure/function; Has not been previously published as pathogenic or benign to our knowledge

NM_001008537.3(NEXMIF):c.2344G>A (p.Ala782Thr)

Gene: NEXMIF (neurite extension and migration factor; minus strand). Cytogenetic location: Xq13.3.
Variant type: single nucleotide variant.
Coding change: c.2344G>A on transcript NM_001008537.3 (MANE Select); coding-DNA position 2344, G replaced by A.
Protein change: p.Ala782Thr; replaces alanine 782 with threonine.
Molecular consequence: missense variant.
Genome position (GRCh38, 1-based): chrX:74,742,213, C>T on the plus strand (G>A on the coding strand, the complement: NEXMIF is on the minus strand). VCF-style: chrX-74742213-C-T. GRCh37 (hg19) VCF-style: chrX-73962048-C-T.
Other names: short protein forms A782T.
Identifiers: ClinVar variation 3367251 (VCV003367251.1).